The following is an entry in ClinVar:

ClinVar aggregate classification (germline): Uncertain significance (1 of 4 stars; one submission).

Conditions:
Primary ciliary dyskinesia. Also called: Ciliary dyskinesia. Identifiers: Orphanet 244, MedGen C0008780, MONDO:0016575, HP:0012265.

Allele frequency attached by ClinVar (database versions not stated): gnomAD 0.00001; gnomAD exomes 0.00001.

Submission:

Labcorp Genetics (formerly Invitae), Labcorp
Classification: Uncertain significance for Primary ciliary dyskinesia. Last evaluated: 2022-05-12. Review status: criteria provided, single submitter. Criteria: Invitae Variant Classification Sherloc (09022015). Collection method: clinical testing. Allele origin: germline.
Comment: This sequence change replaces arginine, which is basic and polar, with cysteine, which is neutral and slightly polar, at codon 723 of the DNAAF5 protein (p.Arg723Cys). This variant is present in population databases (no rsID available, gnomAD 0.004%). This variant has not been reported in the literature in individuals affected with DNAAF5-related conditions. Algorithms developed to predict the effect of missense changes on protein structure and function are either unavailable or do not agree on the potential impact of this missense change (SIFT: "Deleterious"; PolyPhen-2: "Benign"; Align-GVGD: "Class C0"). In summary, the available evidence is currently insufficient to determine the role of this variant in disease. Therefore, it has been classified as a Variant of Uncertain Significance.

NM_017802.4(DNAAF5):c.2167C>T (p.Arg723Cys)

Gene: DNAAF5 (dynein axonemal assembly factor 5; plus strand). Cytogenetic location: 7p22.3.
Variant type: single nucleotide variant.
Coding change: c.2167C>T on transcript NM_017802.4 (MANE Select); coding-DNA position 2167, C replaced by T.
Protein change: p.Arg723Cys; replaces arginine 723 with cysteine.
Molecular consequence: missense variant. On other transcripts: non-coding transcript variant (1).
Genome position (GRCh38, 1-based): chr7:775,090, C>T. VCF-style: chr7-775090-C-T. GRCh37 (hg19) VCF-style: chr7-814727-C-T.
Other names: short protein forms R723C.
Identifiers: ClinVar variation 2177397 (VCV002177397.1), dbSNP rs939008088, ClinGen allele CA366546329.